The following is an entry in ClinVar:

ClinVar aggregate classification (germline): Pathogenic. Review status: criteria provided, multiple submitters, no conflicts (2 of 4 stars). 10 submissions from 9 submitters: Pathogenic (8). 2 of the submissions do not count toward it. Last evaluated 2026-01-13.

Conditions:
HBA2-related disorders.
alpha Thalassemia. Also called: Alpha thalassemia spectrum. Identifiers: Orphanet 846, MedGen C0002312, MONDO:0011399, OMIM 604131.
HEMOGLOBIN ICARIA.
beta Thalassemia (BTHAL). Also called: Cooley's anemia; Erythroblastic anemia; Mediterranean anemia. Identifiers: Orphanet 848, MedGen C0005283, MONDO:0019402. Disease mechanism: loss of function.
Hemoglobin H disease, nondeletional. Identifiers: MedGen C3279561.

gnomAD v4.1: 3 of 1,608,260 alleles (0.00019%); highest among the groups gnomAD compares: Non-Finnish European, 0.00025%; no homozygotes.

Submissions (10):

Labcorp Genetics (formerly Invitae), Labcorp
Classification: Pathogenic. Last evaluated: 2026-01-13. Review status: criteria provided, single submitter. Criteria: Invitae Variant Classification Sherloc (09022015). Collection method: clinical testing. Allele origin: germline.
Comment: This sequence change disrupts the translational stop signal of the HBA2 mRNA. It is expected to extend the length of the HBA2 protein by 31 additional amino acid residues. This variant is not present in population databases (gnomAD no frequency). This protein extension has been observed in individual(s) with hemoglobin H disease (PMID: 2372512, 8602995, 21637442). In at least one individual the data is consistent with being in trans (on the opposite chromosome) from a pathogenic variant. This variant is also known as Hb Icaria in literature. ClinVar contains an entry for this variant (Variation ID: 15626). Algorithms developed to predict the effect of sequence changes on RNA splicing suggest that this variant may create or strengthen a splice site. This variant results in an extension of the HBA2 protein. Other variant(s) that result in a similarly extended protein product (p.*143Glnext*31) have been determined to be pathogenic (PMID: 2298455, 4944483, 12393486, 20507641). This suggests that these extensions are likely to be disease-causing. For these reasons, this variant has been classified as Pathogenic.

Natera, Inc.
Classification: Pathogenic for Alpha thalassemia. Last evaluated: 2025-12-08. Review status: criteria provided, single submitter. Criteria: Natera Variant Classification Schema (03/2026). Collection method: clinical testing. Allele origin: germline.
Comment: The c.427T>A variant in HBA2 is a stop-loss variant predicted to disrupt the normal termination codon and extend translation beyond the canonical stop site. This variant is rare in the general population with a frequency below the threshold expected for the associated phenotype(s). This variant has been observed in one or more individuals affected with the associated recessive disease, as either homozygous or compound heterozygous with a second variant (PMID: 8602995, 21637442). Given the available evidence, this variant is classified as Pathogenic.

ARUP Laboratories, Molecular Genetics and Genomics, ARUP Laboratories
Classification: Pathogenic. Last evaluated: 2025-07-25. Review status: criteria provided, single submitter. Criteria: ARUP Molecular Germline Variant Investigation Process 2024. Collection method: clinical testing. Allele origin: germline.
Comment: The Hb Icaria variant (HBA2: c.427T>A; p.Ter143LysextTer31, also known as Ter142Lys when numbered from the mature protein, rs41464951, HbVar ID: 704, ClinVar Variation ID: 15626) is reported in heterozygous state associated with mild anemia and hypochromia or in combination with a large alpha globin locus deletion in patients with Hb H disease (see link to HbVar and references therein, Efremov 1990, Kanavakis 1996, Kimura 2009). This variant is absent from the Genome Aggregation Database (v2.1.1), indicating it is not a common polymorphism. This variant abolishes the canonical termination codon, resulting in an elongated protein that is unstable, similar to other stop loss variants (Hb Constant Spring, Hb Koya Dora; see HbVar link and references therein). Based on available information, the Hb Icaria variant is considered to be pathogenic. References: Link to HbVar database: Efremov GD et al. Hb Icaria-Hb H disease: identification of the Hb Icaria mutation through analysis of amplified DNA. Br J Haematol. 1990 Jun;75(2):250-3. PMID: 2372512. Kanavakis E et al. The interaction of alpha zero thalassaemia with Hb Icaria: three unusual cases of haemoglobinopathy H. Br J Haematol. 1996 Feb;92(2):332-5. PMID: 8602995. Kimura EM et al. Hb H disease resulting from the association of an alpha-thalassemia allele (-(alpha)) with an unstable alpha-globin variant (Hb Icaria): First report on the occurrence in Brazil. Genet Mol Biol. 2009 Oct;32(4):712-5. PMID: 21637442.

Women's Health and Genetics/Laboratory Corporation of America, LabCorp
Classification: Pathogenic for alpha Thalassemia. Last evaluated: 2024-08-13. Review status: criteria provided, single submitter. Criteria: LabCorp Variant Classification Summary - May 2015. Collection method: clinical testing. Allele origin: germline.
Comment: Variant summary: HBA2 c.427T>A (p.X143LysextX31) changes the termination codon and is predicted to lead to an extended protein with additional amino acids added to the normal C-terminus. HBA2 c.427T>A (p.X143LysextX31) causes a frameshift which results in an extension of the protein. The variant was absent in 248854 control chromosomes. c.427T>A has been reported in the literature in individuals affected with Hemoglobin H disease (Hb-H) (examples: Efremov_1990, Kanavakis_1996, Kimura_2009). Other variant that results in a similarly extended protein product (p.(*143Tyrext*31) has been classified pathogenic by our lab and in ClinVar. These data indicate that the variant is likely to be associated with disease. The following publications have been ascertained in the context of this evaluation (PMID: 2372512, 21637442, 8602995). ClinVar contains an entry for this variant (Variation ID: 15626). Based on the evidence outlined above, the variant was classified as pathogenic.

3billion
Classification: Pathogenic for alpha Thalassemia. Last evaluated: 2024-07-30. Review status: criteria provided, single submitter. Criteria: ACMG Guidelines, 2015. Collection method: clinical testing. Allele origin: germline. Affected: yes.
Comment: The variant is observed at an extremely low frequency in the gnomAD v4.0.0 dataset (total allele frequency: <0.001%). Stop lost variant. The variant has been reported to be in trans with a pathogenic variant as either compound heterozygous or homozygous in at least 2 similarly affected unrelated individuals (PMID: 21637442, 2372512, 8602995). The variant has been reported to co-segregate with the disease in at least one similarly affected relative/individual in the same family or similarly affected unrelated family (PMID: 2372512). The variant has been reported at least twice as pathogenic with clinical assertions and evidence for the classification (ClinVar ID: VCV000015626 / PMID: 21637442, 2372512, 8602995). Therefore, this variant is classified as pathogenic according to the recommendation of ACMG/AMP guideline.

Blueprint Genetics
Classification: Pathogenic for HBA2-related disorders. Last evaluated: 2023-02-08. Review status: criteria provided, single submitter. Criteria: ACMG Guidelines, 2015. Collection method: clinical testing. Allele origin: germline. Affected: yes. Observed: 4 variant alleles.

Laboratory for Molecular Medicine, Mass General Brigham Personalized Medicine
Classification: Pathogenic for beta Thalassemia. Last evaluated: 2022-11-03. Review status: criteria provided, single submitter. Criteria: ACMG Guidelines, 2015. Collection method: clinical testing. Allele origin: germline.
Comment: The p.X143LysextX32 variant in HBA2 (also known as Hb-Icaria) has been reported in the compound heterozygous state (with a deletion) in at least 2 individuals with hemoglobin H disease and in carriers with haematological findings comparable to those with a deletional type of alpha-thalassaemia-2 (Efremov 1990 PMID: 2372512, Kanavakis 1996 PMID: 8602995, Kimura 2009 21637442). This variant has also been reported in ClinVar (Variation ID: 15626) and was absent from large population studies. This variant abolished the termination codon and results in an extension of the HBA2 protein. Additional variants that result in a similarly extended protein product have been reported in individuals with disease and have been classified as Pathogenic by multiple submitters in ClinVar. In summary, this variant meets criteria to be classified as pathogenic for autosomal recessive Hb H disease. ACMG/AMP Criteria applied: PM3 strong, PM2_supporting, PM4.

Quest Diagnostics Nichols Institute San Juan Capistrano
Classification: Pathogenic. Last evaluated: 2019-06-25. Review status: criteria provided, single submitter. Criteria: Quest Diagnostics criteria. Collection method: clinical testing. Allele origin: germline.
Comment: The variant disrupts the natural stop codon, and is therefore predicted to result in the loss of a functional protein. Found in at least one symptomatic patient, and not found in general population data.

OMIM
Classification: other for HEMOGLOBIN ICARIA. Last evaluated: 2018-05-21. Review status: no assertion criteria provided. Collection method: literature only. Allele origin: germline. Not counted in ClinVar's aggregate classification.

OMIM
Classification: Pathogenic for HEMOGLOBIN H DISEASE, NONDELETIONAL. Last evaluated: 1996-02-01. Review status: no assertion criteria provided. Collection method: literature only. Allele origin: germline. Not counted in ClinVar's aggregate classification.

Literature cited by the submitters: PubMed 2372512 (cited by 4 submitters); PubMed 8602995 (cited by 5 submitters); PubMed 21637442 (cited by 4 submitters); PubMed 2298455 (cited by Labcorp Genetics (formerly Invitae), Labcorp); PubMed 4944483 (cited by Labcorp Genetics (formerly Invitae), Labcorp); PubMed 12393486 (cited by Labcorp Genetics (formerly Invitae), Labcorp); PubMed 20507641 (cited by Labcorp Genetics (formerly Invitae), Labcorp); PubMed 4422784 (cited by Quest Diagnostics Nichols Institute San Juan Capistrano and OMIM).

NM_000517.4(HBA2):c.427T>A (p.Ter143Lys)

Genes: HBA2 (hemoglobin subunit alpha 2; plus strand), LOC106804612 (hemoglobin subunit alpha 2 recombination region; plus strand). Cytogenetic location: 16p13.3.
Variant type: single nucleotide variant.
Coding change: c.427T>A on transcript NM_000517.4; coding-DNA position 427, T replaced by A.
Protein change: p.Ter143Lys.
Molecular consequence: stop lost (on NM_000517.6).
Genome position (GRCh38, 1-based): chr16:173,598, T>A. VCF-style: chr16-173598-T-A. GRCh37 (hg19) VCF-style: chr16-223597-T-A.
Other names: *142K; *143K; c.427T>A (NM_000517.5); c.427T>A, p.Ter143Lys (NM_000517.6).
Identifiers: ClinVar variation 15626 (VCV000015626.16), dbSNP rs41464951, ClinGen allele CA125550.